The following is an entry in ClinVar:

ClinVar aggregate classification (germline): Benign/Likely benign. Review status: criteria provided, multiple submitters, no conflicts (2 of 4 stars). 4 submissions from 4 submitters: Benign (3); Likely benign (1). Last evaluated 2026-02-01.

Conditions:
Cardiovascular phenotype. Identifiers: MedGen CN230736.
Brugada syndrome. Also called: Sudden unexplained nocturnal death syndrome; Sudden unexpected nocturnal death syndrome; Sudden Unexplained Death Syndrome; Sudden Unexplained Nocturnal Death Syndrome (SUNDS). Identifiers: Orphanet 130, MedGen C1142166, MONDO:0015263.

Allele frequency attached by ClinVar (database versions not stated): ExAC 0.00193; gnomAD 0.00545; ESP Exome Variant Server 0.00669; TOPMed 0.00708; 1000 Genomes Project 0.00919; 1000 Genomes Project 30x 0.00937.
gnomAD v4.1: 1,720 of 1,613,334 alleles (0.11%); highest among the groups gnomAD compares: African/African-American, 2%; 13 homozygotes.

Submissions (9):

Labcorp Genetics (formerly Invitae), Labcorp
Classification: Benign for Brugada syndrome. Last evaluated: 2026-02-01. Review status: criteria provided, single submitter. Criteria: Invitae Variant Classification Sherloc (09022015). Collection method: clinical testing. Allele origin: germline.

Blueprint Genetics
Classification: Likely benign. Last evaluated: 2024-11-01. Review status: criteria provided, single submitter. Criteria: ACMG Guidelines, 2015. Collection method: clinical testing. Allele origin: germline.

Ambry Genetics
Classification: Benign for Cardiovascular phenotype. Last evaluated: 2015-07-27. Review status: criteria provided, single submitter. Criteria: Ambry Variant Classification Scheme 2023. Collection method: clinical testing. Allele origin: germline.

GeneDx
Classification: Benign. Last evaluated: 2014-07-28. Review status: criteria provided, single submitter. Criteria: GeneDx Variant Classification (06012015). Collection method: clinical testing. Allele origin: germline. Affected: yes.
Comment: This variant is considered likely benign or benign based on one or more of the following criteria: it is a conservative change, it occurs at a poorly conserved position in the protein, it is predicted to be benign by multiple in silico algorithms, and/or has population frequency not consistent with disease.

Dr. Peter K. Rogan Lab, Western University
No classification provided (evidence only). Condition: Lung cancer. Review status: no classification provided. Collection method: in vitro. Allele origin: not applicable. Functional consequence: retained intron. Not counted in ClinVar's aggregate classification.

Dr. Peter K. Rogan Lab, Western University
No classification provided (evidence only). Condition: Thyroid cancer, nonmedullary, 1. Review status: no classification provided. Collection method: in vitro. Allele origin: not applicable. Functional consequence: retained intron. Not counted in ClinVar's aggregate classification.

Dr. Peter K. Rogan Lab, Western University
No classification provided (evidence only). Condition: Hepatocellular carcinoma. Review status: no classification provided. Collection method: in vitro. Allele origin: not applicable. Functional consequence: retained intron. Not counted in ClinVar's aggregate classification.

Dr. Peter K. Rogan Lab, Western University
No classification provided (evidence only). Condition: Gastric cancer. Review status: no classification provided. Collection method: in vitro. Allele origin: not applicable. Functional consequence: retained intron. Not counted in ClinVar's aggregate classification.

Dr. Peter K. Rogan Lab, Western University
No classification provided (evidence only). Condition: Gastric cancer. Review status: no classification provided. Collection method: in vitro. Allele origin: not applicable. Functional consequence: retained intron. Not counted in ClinVar's aggregate classification.

NM_015141.4(GPD1L):c.573C>G (p.Thr191=)

Gene: GPD1L (glycerol-3-phosphate dehydrogenase 1 like; plus strand). Cytogenetic location: 3p22.3.
Variant type: single nucleotide variant.
Coding change: c.573C>G on transcript NM_015141.4 (MANE Select); coding-DNA position 573, C replaced by G.
Protein change: p.Thr191=; no amino-acid change (threonine 191 retained).
Molecular consequence: synonymous variant.
Genome position (GRCh38, 1-based): chr3:32,146,689, C>G. VCF-style: chr3-32146689-C-G. GRCh37 (hg19) VCF-style: chr3-32188181-C-G.
Other names: p.T191T:ACC>ACG.
Identifiers: ClinVar variation 190763 (VCV000190763.18), dbSNP rs72558073, ClinGen allele CA334810.